The following is an entry in ClinVar:

NM_000494.4(COL17A1):c.93A>G (p.Pro31=)

Gene: COL17A1 (collagen type XVII alpha 1 chain; minus strand). Cytogenetic location: 10q25.1.
Variant type: single nucleotide variant.
Coding change: c.93A>G on transcript NM_000494.4 (MANE Select); coding-DNA position 93, A replaced by G.
Protein change: p.Pro31=; no amino-acid change (proline 31 retained).
Molecular consequence: synonymous variant.
Genome position (GRCh38, 1-based): chr10:104,078,546, T>C on the plus strand (A>G on the coding strand, the complement: COL17A1 is on the minus strand). VCF-style: chr10-104078546-T-C. GRCh37 (hg19) VCF-style: chr10-105838304-T-C.
Identifiers: ClinVar variation 880159 (VCV000880159.9), dbSNP rs141808001, ClinGen allele CA5679581.

ClinVar aggregate classification (germline): Benign/Likely benign. Review status: criteria provided, multiple submitters, no conflicts (2 of 4 stars). 3 submissions from 3 submitters: Benign (1); Likely benign (1). 1 of the submissions does not count toward it. Last evaluated 2024-02-24.

Conditions:
Junctional epidermolysis bullosa, non-Herlitz type. Also called: EPIDERMOLYSIS BULLOSA, JUNCTIONAL 1A, INTERMEDIATE; Adult junctional epidermolysis bullosa; EPIDERMOLYSIS BULLOSA JUNCTIONALIS, DISENTIS TYPE; EPIDERMOLYSIS BULLOSA JUNCTIONALIS, NON-HERLITZ TYPE; EPIDERMOLYSIS BULLOSA JUNCTIONALIS, PROGRESSIVE; EPIDERMOLYSIS BULLOSA JUNCTIONALIS, SEVERE NONLETHAL. Identifiers: Orphanet 251393, Orphanet 79402, Orphanet 79405, Orphanet 89840, MedGen C0268374, MONDO:0009180, OMIM 226650.
COL17A1-related disorder. Also called: COL17A1-related condition.

Allele frequency attached by ClinVar (database versions not stated): gnomAD 0.00013 and 0.00017; TOPMed 0.00016; gnomAD exomes 0.00021 and 0.00047; ExAC 0.00043; 1000 Genomes Project 0.00060; 1000 Genomes Project 30x 0.00062.
gnomAD v4.1: 327 of 1,614,120 alleles (0.02%); highest among the groups gnomAD compares: East Asian, 0.69%; 3 homozygotes.

Submissions (3):

Labcorp Genetics (formerly Invitae), Labcorp
Classification: Benign. Last evaluated: 2024-02-24. Review status: criteria provided, single submitter. Criteria: Invitae Variant Classification Sherloc (09022015). Collection method: clinical testing. Allele origin: germline.

Illumina Laboratory Services, Illumina
Classification: Likely benign for Junctional epidermolysis bullosa, non-Herlitz type. Last evaluated: 2018-01-13. Review status: criteria provided, single submitter. Criteria: ICSL Variant Classification Criteria 13 December 2019. Collection method: clinical testing. Allele origin: germline.
Comment: This variant was observed in the ICSL laboratory as part of a predisposition screen in an ostensibly healthy population. It had not been previously curated by ICSL or reported in the Human Gene Mutation Database (HGMD: prior to June 1st, 2018), and was therefore a candidate for classification through an automated scoring system. Utilizing variant allele frequency, disease prevalence and penetrance estimates, and inheritance mode, an automated score was calculated to assess if this variant is too frequent to cause the disease. Based on the score and internal cut-off values, a variant classified as likely benign is not then subjected to further curation. The score for this variant resulted in a classification of likely benign for this disease.

PreventionGenetics, part of Exact Sciences
Classification: Likely benign for COL17A1-related condition. Last evaluated: 2019-09-04. Review status: no assertion criteria provided. Collection method: clinical testing. Allele origin: germline. Not counted in ClinVar's aggregate classification.
Comment: This variant is classified as likely benign based on ACMG/AMP sequence variant interpretation guidelines (Richards et al. 2015 PMID: 25741868, with internal and published modifications).